The following is an entry in ClinVar:

ClinVar aggregate classification (germline): Uncertain significance (1 of 4 stars; one submission).

Conditions:
KBG syndrome (KBGS). Also called: ANKRD11-Related KBG Syndrome. Identifiers: Orphanet 2332, MedGen C0220687, MONDO:0007846, OMIM 148050.

gnomAD v4.1: 14 of 1,577,970 alleles (0.00089%); highest among the groups gnomAD compares: South Asian, 0.013%; no homozygotes.

Submission:

Labcorp Genetics (formerly Invitae), Labcorp
Classification: Uncertain significance for KBG syndrome. Last evaluated: 2024-04-15. Review status: criteria provided, single submitter. Criteria: Invitae Variant Classification Sherloc (09022015). Collection method: clinical testing. Allele origin: germline.
Comment: This sequence change replaces alanine, which is neutral and non-polar, with threonine, which is neutral and polar, at codon 1864 of the ANKRD11 protein (p.Ala1864Thr). This variant is present in population databases (rs576333338, gnomAD 0.01%). This variant has not been reported in the literature in individuals affected with ANKRD11-related conditions. Advanced modeling of protein sequence and biophysical properties (such as structural, functional, and spatial information, amino acid conservation, physicochemical variation, residue mobility, and thermodynamic stability) performed at Invitae indicates that this missense variant is not expected to disrupt ANKRD11 protein function with a negative predictive value of 95%. In summary, the available evidence is currently insufficient to determine the role of this variant in disease. Therefore, it has been classified as a Variant of Uncertain Significance.

NM_013275.6(ANKRD11):c.5590G>A (p.Ala1864Thr)

Gene: ANKRD11 (ankyrin repeat domain 11; minus strand). Cytogenetic location: 16q24.3.
Variant type: single nucleotide variant.
Coding change: c.5590G>A on transcript NM_013275.6 (MANE Select); coding-DNA position 5590, G replaced by A.
Protein change: p.Ala1864Thr; replaces alanine 1864 with threonine.
Molecular consequence: missense variant.
Genome position (GRCh38, 1-based): chr16:89,280,952, C>T on the plus strand (G>A on the coding strand, the complement: ANKRD11 is on the minus strand). VCF-style: chr16-89280952-C-T. GRCh37 (hg19) VCF-style: chr16-89347360-C-T.
Other names: c.5590G>A, p.Ala1864Thr (NM_001256182.2, NM_001256183.2); short protein forms A1864T.
Identifiers: ClinVar variation 2907512 (VCV002907512.3), dbSNP rs576333338, ClinGen allele CA8241787.